The following is an entry in ClinVar:

NM_006013.5(RPL10):c.*1G>A

Gene: RPL10 (ribosomal protein L10; plus strand). Cytogenetic location: Xq28.
Variant type: single nucleotide variant.
Coding change: c.*1G>A on transcript NM_006013.5 (MANE Select); 1 bases downstream of the stop codon, G replaced by A.
Molecular consequence: 3 prime UTR variant. On other transcripts: synonymous variant (1).
Genome position (GRCh38, 1-based): chrX:154,400,855, G>A. VCF-style: chrX-154400855-G-A. GRCh37 (hg19) VCF-style: chrX-153629196-G-A.
Other names: c.483G>A, p.Glu161= (NM_001256577.2); c.*1G>A (NM_001256580.2, NM_001303624.2, NM_001303625.1); c.*197G>A (NM_001303626.1).
Identifiers: ClinVar variation 2661800 (VCV002661800.24), dbSNP rs1281335081, ClinGen allele CA873326884.

ClinVar aggregate classification (germline): Likely benign (1 of 4 stars; one submission).

Allele frequency attached by ClinVar (database versions not stated): TOPMed 0.00001; gnomAD 0.00002.

Submission:

CeGaT Center for Human Genetics Tuebingen
Classification: Likely benign. Last evaluated: 2023-04-01. Review status: criteria provided, single submitter. Criteria: CeGaT Center For Human Genetics Tuebingen Variant Classification Criteria Version 2. Collection method: clinical testing. Allele origin: germline. Affected: yes. Observed: 1 variant allele.
Comment: RPL10: BP4, BP7